The following is an entry in ClinVar:

ClinVar aggregate classification (germline): Likely benign (1 of 4 stars; one submission).

Submission:

CeGaT Center for Human Genetics Tuebingen
Classification: Likely benign. Last evaluated: 2024-01-01. Review status: criteria provided, single submitter. Criteria: CeGaT Center For Human Genetics Tuebingen Variant Classification Criteria Version 2. Collection method: clinical testing. Allele origin: germline. Affected: yes. Observed: 1 variant allele.
Comment: GOLGA8M: BP4, BP7

NM_001282468.3(GOLGA8M):c.1434T>C (p.Leu478=)

Gene: GOLGA8M (golgin A8 family member M; minus strand). Cytogenetic location: 15q13.1.
Variant type: single nucleotide variant.
Coding change: c.1434T>C on transcript NM_001282468.3 (MANE Select); coding-DNA position 1434, T replaced by C.
Protein change: p.Leu478=; no amino-acid change (leucine 478 retained).
Molecular consequence: synonymous variant.
Genome position (GRCh38, 1-based): chr15:28,702,680, A>G on the plus strand (T>C on the coding strand, the complement: GOLGA8M is on the minus strand). VCF-style: chr15-28702680-A-G. GRCh37 (hg19) VCF-style: chr15-28947826-A-G.
Identifiers: ClinVar variation 3026287 (VCV003026287.22), dbSNP rs780549348, ClinGen allele CA489240774.